The following is an entry in ClinVar:

ClinVar aggregate classification (germline): Benign/Likely benign. Review status: criteria provided, multiple submitters, no conflicts (2 of 4 stars). 9 submissions from 9 submitters: Benign (5); Likely benign (4). Last evaluated 2026-01-26.

Conditions:
Neutropenia, severe congenital, 1, autosomal dominant. Identifiers: MedGen C1859966, MONDO:0042490, OMIM 202700.
Cyclical neutropenia. Also called: Cyclic hematopoiesis; Cyclic Neutropenia. Identifiers: Orphanet 2686, MedGen C0221023, MONDO:0008090, OMIM 162800, HP:0040289. Disease mechanism: loss of function.
Autoinflammatory syndrome. Identifiers: Orphanet 93665, MedGen C3890737, MONDO:0019751.
Inborn genetic diseases. Identifiers: MedGen C0950123, MeSH D030342.

Allele frequency attached by ClinVar (database versions not stated): TOPMed 0.00061; 1000 Genomes Project 0.00260; 1000 Genomes Project 30x 0.00265.
gnomAD v4.1: 579 of 1,613,142 alleles (0.036%); highest among the groups gnomAD compares: East Asian, 0.65%; 10 homozygotes.

Submissions (9):

Labcorp Genetics (formerly Invitae), Labcorp
Classification: Benign for Neutropenia, severe congenital, 1, autosomal dominant; Cyclical neutropenia. Last evaluated: 2026-01-26. Review status: criteria provided, single submitter. Criteria: Invitae Variant Classification Sherloc (09022015). Collection method: clinical testing. Allele origin: germline.

Women's Health and Genetics/Laboratory Corporation of America, LabCorp
Classification: Benign. Last evaluated: 2026-01-23. Review status: criteria provided, single submitter. Criteria: LabCorp Variant Classification Summary - May 2015. Collection method: clinical testing. Allele origin: germline.

Blueprint Genetics
Classification: Likely benign. Last evaluated: 2024-11-27. Review status: criteria provided, single submitter. Criteria: ACMG Guidelines, 2015. Collection method: clinical testing. Allele origin: germline.

Ambry Genetics
Classification: Likely benign for Inborn genetic diseases. Last evaluated: 2024-10-15. Review status: criteria provided, single submitter. Criteria: Ambry Variant Classification Scheme 2023. Collection method: clinical testing. Allele origin: germline.

ARUP Laboratories, Molecular Genetics and Genomics, ARUP Laboratories
Classification: Benign. Last evaluated: 2023-08-21. Review status: criteria provided, single submitter. Criteria: ARUP Molecular Germline Variant Investigation Process 2024. Collection method: clinical testing. Allele origin: germline.

Genome Diagnostics Laboratory, The Hospital for Sick Children
Classification: Likely benign for Autoinflammatory syndrome. Last evaluated: 2022-04-04. Review status: criteria provided, single submitter. Criteria: ACMG Guidelines, 2015. Collection method: clinical testing. Allele origin: germline. Affected: yes.

Genetic Services Laboratory, University of Chicago
Classification: Likely benign. Last evaluated: 2016-02-25. Review status: criteria provided, single submitter. Criteria: ACMG Guidelines, 2015. Collection method: clinical testing. Allele origin: germline. Affected: no.

GeneDx
Classification: Benign. Last evaluated: 2013-04-05. Review status: criteria provided, single submitter. Criteria: GeneDx Variant Classification (06012015). Collection method: clinical testing. Allele origin: germline. Affected: yes.
Comment: This variant is considered likely benign or benign based on one or more of the following criteria: it is a conservative change, it occurs at a poorly conserved position in the protein, it is predicted to be benign by multiple in silico algorithms, and/or has population frequency not consistent with disease.

PreventionGenetics, part of Exact Sciences
Classification: Benign. Review status: criteria provided, single submitter. Criteria: ACMG Guidelines, 2015. Collection method: clinical testing. Allele origin: germline.

NM_001972.4(ELANE):c.606C>T (p.Ser202=)

Gene: ELANE (elastase, neutrophil expressed; plus strand). Cytogenetic location: 19p13.3.
Variant type: single nucleotide variant.
Coding change: c.606C>T on transcript NM_001972.4 (MANE Select); coding-DNA position 606, C replaced by T.
Protein change: p.Ser202=; no amino-acid change (serine 202 retained).
Molecular consequence: synonymous variant.
Genome position (GRCh38, 1-based): chr19:855,966, C>T. VCF-style: chr19-855966-C-T. GRCh37 (hg19) VCF-style: chr19-855966-C-T.
Other names: p.S202S:TCC>TCT; c.606C>T (LRG_57t1).
Identifiers: ClinVar variation 137200 (VCV000137200.27), dbSNP rs17216649, ClinGen allele CA290725.